The following is an entry in ClinVar:

NM_000742.4(CHRNA2):c.*623G>A

Gene: CHRNA2 (cholinergic receptor nicotinic alpha 2 subunit; minus strand). Cytogenetic location: 8p21.2.
Variant type: single nucleotide variant.
Coding change: c.*623G>A on transcript NM_000742.4 (MANE Select); 623 bases downstream of the stop codon, G replaced by A.
Molecular consequence: 3 prime UTR variant.
Genome position (GRCh38, 1-based): chr8:27,461,006, C>T on the plus strand (G>A on the coding strand, the complement: CHRNA2 is on the minus strand). VCF-style: chr8-27461006-C-T. GRCh37 (hg19) VCF-style: chr8-27318523-C-T.
Other names: c.*623G>A (NM_001282455.2, NM_001347705.2, NM_001347706.2 and 2 more transcripts).
Identifiers: ClinVar variation 362684 (VCV000362684.5), dbSNP rs79796894, ClinGen allele CA10630775.

ClinVar aggregate classification (germline): Benign (1 of 4 stars; one submission).

Conditions:
Autosomal dominant nocturnal frontal lobe epilepsy 4. Also called: EPILEPSY, FAMILIAL, WITH NOCTURNAL WANDERING AND ICTAL FEAR; CHRNA2-Related Nocturnal Frontal Lobe Epilepsy, Autosomal Dominant. Identifiers: Orphanet 98784, MedGen C1835905, MONDO:0012474, OMIM 610353.

Allele frequency attached by ClinVar (database versions not stated): gnomAD exomes 0.00160; gnomAD 0.02617 and 0.02803; TOPMed 0.02954; 1000 Genomes Project 0.03115; 1000 Genomes Project 30x 0.03232.
gnomAD v4.1: 3,948 of 155,472 alleles (2.5%); highest among the groups gnomAD compares: African/African-American, 9%; 179 homozygotes.

Submission:

Illumina Laboratory Services, Illumina
Classification: Benign for Autosomal dominant nocturnal frontal lobe epilepsy 4. Last evaluated: 2018-01-12. Review status: criteria provided, single submitter. Criteria: ICSL Variant Classification Criteria 13 December 2019. Collection method: clinical testing. Allele origin: germline.
Comment: This variant was observed in the ICSL laboratory as part of a predisposition screen in an ostensibly healthy population. It had not been previously curated by ICSL or reported in the Human Gene Mutation Database (HGMD: prior to June 1st, 2018), and was therefore a candidate for classification through an automated scoring system. Utilizing variant allele frequency, disease prevalence and penetrance estimates, and inheritance mode, an automated score was calculated to assess if this variant is too frequent to cause the disease. Based on the score and internal cut-off values, a variant classified as benign is not then subjected to further curation. The score for this variant resulted in a classification of benign for this disease.